The following is an entry in ClinVar:

ClinVar aggregate classification (germline): Uncertain significance (0 of 4 stars; one submission).

Conditions:
CHD1-related disorder. Also called: CHD1-related condition.

gnomAD v4.1: 1 of 1,613,280 alleles (0.000062%); highest among the groups gnomAD compares: Admixed American, 0.0017%; no homozygotes.

Submission:

PreventionGenetics, part of Exact Sciences
Classification: Uncertain significance for CHD1-related condition. Last evaluated: 2024-04-17. Review status: no assertion criteria provided. Collection method: clinical testing. Allele origin: germline.
Comment: The CHD1 c.4692T>G variant is predicted to result in the amino acid substitution p.Asp1564Glu. To our knowledge, this variant has not been reported in the literature. This variant is reported in 0.0029% of alleles in individuals of Latino descent in gnomAD. At this time, the clinical significance of this variant is uncertain due to the absence of conclusive functional and genetic evidence.

NM_001270.4(CHD1):c.4692T>G (p.Asp1564Glu)

Gene: CHD1 (chromodomain helicase DNA binding protein 1; minus strand). Cytogenetic location: 5q15.
Variant type: single nucleotide variant.
Coding change: c.4692T>G on transcript NM_001270.4 (MANE Select); coding-DNA position 4692, T replaced by G.
Protein change: p.Asp1564Glu; replaces aspartic acid 1564 with glutamic acid.
Molecular consequence: missense variant. On other transcripts: non-coding transcript variant (2).
Genome position (GRCh38, 1-based): chr5:98,858,275, A>C on the plus strand (T>G on the coding strand, the complement: CHD1 is on the minus strand). VCF-style: chr5-98858275-A-C. GRCh37 (hg19) VCF-style: chr5-98193979-A-C.
Other names: c.4956T>G, p.Asp1652Glu (NM_001364113.3); c.4692T>G, p.Asp1564Glu (NM_001376194.2); short protein forms D1564E, D1652E.
Identifiers: ClinVar variation 3357215 (VCV003357215.1).